The following is an entry in ClinVar:

NM_031844.3(HNRNPU):c.1743+8G>T

Gene: HNRNPU (heterogeneous nuclear ribonucleoprotein U; minus strand). Cytogenetic location: 1q44.
Variant type: single nucleotide variant.
Coding change: c.1743+8G>T on transcript NM_031844.3 (MANE Select); 8 bases into the intron after coding-DNA position 1743, G replaced by T.
Molecular consequence: intron variant.
Genome position (GRCh38, 1-based): chr1:244,856,720, C>A on the plus strand (G>T on the coding strand, the complement: HNRNPU is on the minus strand). VCF-style: chr1-244856720-C-A. GRCh37 (hg19) VCF-style: chr1-245020022-C-A.
Other names: c.1686+8G>T (NM_004501.3).
Identifiers: ClinVar variation 414106 (VCV000414106.24), dbSNP rs75674611, ClinGen allele CA1486398.

ClinVar aggregate classification (germline): Benign/Likely benign. Review status: criteria provided, multiple submitters, no conflicts (2 of 4 stars). 5 submissions from 5 submitters: Benign (2); Likely benign (3). Last evaluated 2026-01-12.

Conditions:
Developmental and epileptic encephalopathy, 54. Also called: Epileptic encephalopathy, early infantile, 54; HNRNPU-Related Neurodevelopmental Disorder. Identifiers: MedGen C4479319, MONDO:0033363, OMIM 617391.

Allele frequency attached by ClinVar (database versions not stated): gnomAD 0.00285 and 0.00304; 1000 Genomes Project 0.00300; ESP Exome Variant Server 0.00308; TOPMed 0.00324; 1000 Genomes Project 30x 0.00390.

Submissions (5):

Labcorp Genetics (formerly Invitae), Labcorp
Classification: Benign for Developmental and epileptic encephalopathy, 54. Last evaluated: 2026-01-12. Review status: criteria provided, single submitter. Criteria: Invitae Variant Classification Sherloc (09022015). Collection method: clinical testing. Allele origin: germline.

CeGaT Center for Human Genetics Tuebingen
Classification: Benign. Last evaluated: 2025-07-01. Review status: criteria provided, single submitter. Criteria: CeGaT Center For Human Genetics Tuebingen Variant Classification Criteria Version 2. Collection method: clinical testing. Allele origin: germline. Affected: yes. Observed: 1 variant allele.
Comment: HNRNPU: BS1, BS2

Blueprint Genetics
Classification: Likely benign. Last evaluated: 2024-09-04. Review status: criteria provided, single submitter. Criteria: ACMG Guidelines, 2015. Collection method: clinical testing. Allele origin: germline.

Fulgent Genetics
Classification: Likely benign for Developmental and epileptic encephalopathy, 54. Last evaluated: 2021-08-04. Review status: criteria provided, single submitter. Criteria: ACMG Guidelines, 2015. Collection method: clinical testing. Allele origin: unknown.

GeneDx
Classification: Likely benign. Last evaluated: 2018-07-26. Review status: criteria provided, single submitter. Criteria: GeneDx Variant Classification Process June 2021. Collection method: clinical testing. Allele origin: germline. Affected: yes.